The following is an entry in ClinVar:

NC_000014.8:g.(?_24723348)_(24725293_?)dup

Gene: TGM1 (transglutaminase 1; minus strand). Cytogenetic location: 14q12.
Variant type: Duplication.
Identifiers: ClinVar variation 646967 (VCV000646967.5).

ClinVar aggregate classification (germline): Pathogenic (1 of 4 stars; one submission).

Submission:

Labcorp Genetics (formerly Invitae), Labcorp
Classification: Pathogenic. Last evaluated: 2022-09-30. Review status: criteria provided, single submitter. Criteria: Invitae Variant Classification Sherloc (09022015). Collection method: clinical testing. Allele origin: germline.
Comment: This variant results in a copy number gain of the genomic region encompassing exon(s) 10-14 of the TGM1 gene. While the exact position of this variant cannot be determined from the data, sub-genic copy number gains are generally in tandem (PMID: 25640679). This variant is predicted to be out-of-frame, and may result in an absent or disrupted protein product. Loss-of-function variants in TGM1 are known to be pathogenic (PMID: 18948357, 19241467). A similar copy number variant has been observed in individual(s) with lamellar ichthyosis (PMID: 27025581). It has also been observed to segregate with disease in related individuals. For these reasons, this variant has been classified as Pathogenic.

Literature cited by the submitters: PubMed 25640679; PubMed 18948357; PubMed 19241467; PubMed 27025581.